The following is an entry in ClinVar:

NM_002661.5(PLCG2):c.3307G>A (p.Val1103Ile)

Gene: PLCG2 (phospholipase C gamma 2; plus strand). Cytogenetic location: 16q23.3.
Variant type: single nucleotide variant.
Coding change: c.3307G>A on transcript NM_002661.5 (MANE Select); coding-DNA position 3307, G replaced by A.
Protein change: p.Val1103Ile; replaces valine 1103 with isoleucine.
Molecular consequence: missense variant.
Genome position (GRCh38, 1-based): chr16:81,938,909, G>A. VCF-style: chr16-81938909-G-A. GRCh37 (hg19) VCF-style: chr16-81972514-G-A.
Other names: short protein forms V1103I.
Identifiers: ClinVar variation 1916353 (VCV001916353.29), dbSNP rs904052522, ClinGen allele CA285193873.
Genomic context (GRCh38, chr16:81,938,909, plus strand): 5'-CCCTTTGTAGAAGTGGAGATCTGTGGAGCCGAGTATGACAACAACAAGTTCAAGACGACG[G>A]TTGTGAGTAAGTCAGTCACCTTGGCCCCTCTGCTTTTAAACGTCCGGCCAGTGAATCCTT-3'
Protein context (NP_002652.2, residues 1093-1113): EYDNNKFKTT[Val1103Ile]VNDNGLSPIW

ClinVar aggregate classification (germline): Uncertain significance. Review status: criteria provided, multiple submitters, no conflicts (2 of 4 stars). 2 submissions from 2 submitters: Uncertain significance (2). Last evaluated 2025-11-02.

Conditions:
Familial cold autoinflammatory syndrome 3 (FCAS3). Also called: FAMILIAL ATYPICAL COLD URTICARIA; ANTIBODY DEFICIENCY AND IMMUNE DYSREGULATION, PLCG2-ASSOCIATED. Identifiers: Orphanet 300359, MedGen C3280914, MONDO:0013766, OMIM 614468.

Allele frequency attached by ClinVar (database versions not stated): gnomAD exomes below 0.00001.
gnomAD v4.1: 2 of 1,596,086 alleles (0.00013%); highest among the groups gnomAD compares: South Asian, 0.0011%; no homozygotes.

Submissions (2):

Labcorp Genetics (formerly Invitae), Labcorp
Classification: Uncertain significance for Familial cold autoinflammatory syndrome 3. Last evaluated: 2025-11-02. Review status: criteria provided, single submitter. Criteria: Invitae Variant Classification Sherloc (09022015). Collection method: clinical testing. Allele origin: germline.
Comment: This sequence change replaces valine, which is neutral and non-polar, with isoleucine, which is neutral and non-polar, at codon 1103 of the PLCG2 protein (p.Val1103Ile). This variant is not present in population databases (gnomAD no frequency). This variant has not been reported in the literature in individuals affected with PLCG2-related conditions. ClinVar contains an entry for this variant (Variation ID: 1916353). An algorithm developed to predict the effect of missense changes on protein structure and function (PolyPhen-2) suggests that this variant is likely to be disruptive. Algorithms developed to predict the effect of sequence changes on RNA splicing suggest that this variant may create or strengthen a splice site. In summary, the available evidence is currently insufficient to determine the role of this variant in disease. Therefore, it has been classified as a Variant of Uncertain Significance.

CeGaT Center for Human Genetics Tuebingen
Classification: Uncertain significance. Last evaluated: 2023-10-01. Review status: criteria provided, single submitter. Criteria: CeGaT Center For Human Genetics Tuebingen Variant Classification Criteria Version 2. Collection method: clinical testing. Allele origin: germline. Affected: yes. Observed: 1 variant allele.
Comment: PLCG2: PM2